The following is an entry in ClinVar:

NM_012330.4(KAT6B):c.338G>A (p.Arg113Lys)

Gene: KAT6B (lysine acetyltransferase 6B; plus strand). Cytogenetic location: 10q22.2.
Variant type: single nucleotide variant.
Coding change: c.338G>A on transcript NM_012330.4 (MANE Select); coding-DNA position 338, G replaced by A.
Protein change: p.Arg113Lys; replaces arginine 113 with lysine.
Molecular consequence: missense variant. On other transcripts: 5 prime UTR variant (2).
Genome position (GRCh38, 1-based): chr10:74,843,195, G>A. VCF-style: chr10-74843195-G-A. GRCh37 (hg19) VCF-style: chr10-76602953-G-A.
Other names: c.338G>A, p.Arg113Lys (NM_001256468.2, NM_001256469.2, NM_001370132.1 and 10 more transcripts); c.-201G>A (NM_001370134.1, NM_001370135.1); short protein forms R113K.
Identifiers: ClinVar variation 2055001 (VCV002055001.4), dbSNP rs1371266454, ClinGen allele CA377399819.

ClinVar aggregate classification (germline): Uncertain significance (1 of 4 stars; one submission).

Conditions:
Genitopatellar syndrome (GTPTS). Also called: Genitopatellar syndrome (GPS); ABSENT PATELLAE, SCROTAL HYPOPLASIA, RENAL ANOMALIES, FACIAL DYSMORPHISM, AND MENTAL RETARDATION. Identifiers: Orphanet 85201, MedGen C1853566, MONDO:0011640, OMIM 606170.

Allele frequency attached by ClinVar (database versions not stated): gnomAD exomes below 0.00001; gnomAD 0.00001; TOPMed 0.00001.
gnomAD v4.1: 3 of 1,614,104 alleles (0.00019%); highest among the groups gnomAD compares: African/African-American, 0.004%; no homozygotes.

Submission:

Labcorp Genetics (formerly Invitae), Labcorp
Classification: Uncertain significance for Genitopatellar syndrome. Last evaluated: 2025-04-07. Review status: criteria provided, single submitter. Criteria: Invitae Variant Classification Sherloc (09022015). Collection method: clinical testing. Allele origin: germline.
Comment: This sequence change replaces arginine, which is basic and polar, with lysine, which is basic and polar, at codon 113 of the KAT6B protein (p.Arg113Lys). This variant is not present in population databases (gnomAD no frequency). This variant has not been reported in the literature in individuals affected with KAT6B-related conditions. ClinVar contains an entry for this variant (Variation ID: 2055001). Invitae Evidence Modeling of protein sequence and biophysical properties (such as structural, functional, and spatial information, amino acid conservation, physicochemical variation, residue mobility, and thermodynamic stability) indicates that this missense variant is not expected to disrupt KAT6B protein function with a negative predictive value of 80%. In summary, the available evidence is currently insufficient to determine the role of this variant in disease. Therefore, it has been classified as a Variant of Uncertain Significance.